The following is an entry in ClinVar:

NM_015409.5(EP400):c.438C>T (p.Ala146=)

Gene: EP400 (E1A binding protein p400; plus strand). Cytogenetic location: 12q24.33.
Variant type: single nucleotide variant.
Coding change: c.438C>T on transcript NM_015409.5 (MANE Select); coding-DNA position 438, C replaced by T.
Protein change: p.Ala146=; no amino-acid change (alanine 146 retained).
Molecular consequence: synonymous variant.
Genome position (GRCh38, 1-based): chr12:131,961,057, C>T. VCF-style: chr12-131961057-C-T. GRCh37 (hg19) VCF-style: chr12-132445602-C-T.
Identifiers: ClinVar variation 757962 (VCV000757962.11), dbSNP rs369723653, ClinGen allele CA6884521.
Genomic context (GRCh38, chr12:131,961,057, plus strand): 5'-CTTGTCCCAGCAGGTCCAGACCCAGAGTCCCACGCAGCCCAGTCCGGGGCCGGGGCAGGC[C>T]TTGCAGAATGTGCGTGCAGGTGCCCCTGGCCCTGGGCTGGGCCTCTGCAGCAGCAGCCCT-3'
Protein context (NP_056224.3, residues 136-156): PTQPSPGPGQ[Ala146=]LQNVRAGAPG

ClinVar aggregate classification (germline): Likely benign. Review status: criteria provided, multiple submitters, no conflicts (2 of 4 stars). 2 submissions from 2 submitters: Likely benign (2). Last evaluated 2025-07-01.

Allele frequency attached by ClinVar (database versions not stated): TOPMed 0.00012; 1000 Genomes Project 30x 0.00016; ESP Exome Variant Server 0.00016; gnomAD exomes 0.00016 and 0.00022; 1000 Genomes Project 0.00020; gnomAD 0.00020 and 0.00021; ExAC 0.00026.
gnomAD v4.1: 257 of 1,582,744 alleles (0.016%); highest among the groups gnomAD compares: Middle Eastern, 0.018%; 1 homozygote.

Submissions (2):

CeGaT Center for Human Genetics Tuebingen
Classification: Likely benign. Last evaluated: 2025-07-01. Review status: criteria provided, single submitter. Criteria: CeGaT Center For Human Genetics Tuebingen Variant Classification Criteria Version 2. Collection method: clinical testing. Allele origin: germline. Affected: yes. Observed: 1 variant allele.
Comment: EP400: BP4, BP7

Labcorp Genetics (formerly Invitae), Labcorp
Classification: Likely benign. Last evaluated: 2018-07-20. Review status: criteria provided, single submitter. Criteria: Invitae Variant Classification Sherloc (09022015). Collection method: clinical testing. Allele origin: germline.